The following is an entry in ClinVar:

NM_000492.4(CFTR):c.1003A>G (p.Lys335Glu)

Gene: CFTR (CF transmembrane conductance regulator; plus strand). Cytogenetic location: 7q31.2.
Variant type: single nucleotide variant.
Coding change: c.1003A>G on transcript NM_000492.4 (MANE Select); coding-DNA position 1003, A replaced by G.
Protein change: p.Lys335Glu; replaces lysine 335 with glutamic acid.
Molecular consequence: missense variant.
Genome position (GRCh38, 1-based): chr7:117,540,233, A>G. VCF-style: chr7-117540233-A-G. GRCh37 (hg19) VCF-style: chr7-117180287-A-G.
Other names: short protein forms K335E.
Identifiers: ClinVar variation 1515640 (VCV001515640.7), dbSNP rs1431852129, ClinGen allele CA368978742.

ClinVar aggregate classification (germline): Uncertain significance (1 of 4 stars; one submission).

Conditions:
Cystic fibrosis (CF). Also called: MUCOVISCIDOSIS. Identifiers: Orphanet 586, MedGen C0010674, MONDO:0009061, OMIM 219700. Disease mechanism: loss of function.

Allele frequency attached by ClinVar (database versions not stated): gnomAD 0.00001.
gnomAD v4.1: 1 of 1,614,018 alleles (0.000062%); highest among the groups gnomAD compares: Non-Finnish European, 0.000085%; no homozygotes.

Submission:

Labcorp Genetics (formerly Invitae), Labcorp
Classification: Uncertain significance for Cystic fibrosis. Last evaluated: 2022-08-16. Review status: criteria provided, single submitter. Criteria: Invitae Variant Classification Sherloc (09022015). Collection method: clinical testing. Allele origin: germline.
Comment: In summary, the available evidence is currently insufficient to determine the role of this variant in disease. Therefore, it has been classified as a Variant of Uncertain Significance. Experimental studies have shown that this missense change affects CFTR function (PMID: 1712984, 9512029, 18449561). Algorithms developed to predict the effect of missense changes on protein structure and function (SIFT, PolyPhen-2, Align-GVGD) all suggest that this variant is likely to be tolerated. ClinVar contains an entry for this variant (Variation ID: 1515640). This variant has not been reported in the literature in individuals affected with CFTR-related conditions. This variant is present in population databases (no rsID available, gnomAD 0.007%). This sequence change replaces lysine, which is basic and polar, with glutamic acid, which is acidic and polar, at codon 335 of the CFTR protein (p.Lys335Glu).

Literature cited by the submitters: PubMed 1712984; PubMed 9512029; PubMed 18449561.